The following is an entry in ClinVar:

NM_001197104.2(KMT2A):c.694A>G (p.Lys232Glu)

Gene: KMT2A (lysine methyltransferase 2A; plus strand). Cytogenetic location: 11q23.3.
Variant type: single nucleotide variant.
Coding change: c.694A>G on transcript NM_001197104.2 (MANE Select); coding-DNA position 694, A replaced by G.
Protein change: p.Lys232Glu; replaces lysine 232 with glutamic acid.
Molecular consequence: missense variant.
Genome position (GRCh38, 1-based): chr11:118,471,853, A>G. VCF-style: chr11-118471853-A-G. GRCh37 (hg19) VCF-style: chr11-118342568-A-G.
Other names: c.694A>G, p.Lys232Glu (NM_005933.4); short protein forms K232E.
Identifiers: ClinVar variation 1029239 (VCV001029239.3), dbSNP rs1555035596, ClinGen allele CA382807457.
Genomic context (GRCh38, chr11:118,471,853, plus strand): 5'-AAGAAAGATTCTAAAAGTATAGAAAAGAAGAGAGGAAGACCTCCCACCTTCCCTGGAGTA[A>G]AAATCAAAATAACACATGGAAAGGACATTTCAGAGTTACCAAAGGGAAACAAAGAAGATA-3'
Protein context (NP_001184033.1, residues 222-242): RGRPPTFPGV[Lys232Glu]IKITHGKDIS

ClinVar aggregate classification (germline): Uncertain significance. Review status: criteria provided, multiple submitters, no conflicts (2 of 4 stars). 2 submissions from 2 submitters: Uncertain significance (2). Last evaluated 2022-07-10.

Conditions:
Wiedemann-Steiner syndrome (WDSTS). Also called: Growth deficiency and mental retardation with facial dysmorphism. Identifiers: Orphanet 319182, MedGen C1854630, MONDO:0011518, OMIM 605130.

Allele frequency attached by ClinVar (database versions not stated): gnomAD exomes 0.00001; TOPMed 0.00001.
gnomAD v4.1: 13 of 1,612,272 alleles (0.00081%); highest among the groups gnomAD compares: Admixed American, 0.005%; no homozygotes.

Submissions (2):

Labcorp Genetics (formerly Invitae), Labcorp
Classification: Uncertain significance. Last evaluated: 2022-07-10. Review status: criteria provided, single submitter. Criteria: Invitae Variant Classification Sherloc (09022015). Collection method: clinical testing. Allele origin: germline.
Comment: This sequence change replaces lysine, which is basic and polar, with glutamic acid, which is acidic and polar, at codon 232 of the KMT2A protein (p.Lys232Glu). This variant is present in population databases (no rsID available, gnomAD 0.003%). This variant has not been reported in the literature in individuals affected with KMT2A-related conditions. ClinVar contains an entry for this variant (Variation ID: 1029239). Algorithms developed to predict the effect of missense changes on protein structure and function are either unavailable or do not agree on the potential impact of this missense change (SIFT: "Deleterious"; PolyPhen-2: "Probably Damaging"; Align-GVGD: "Class C0"). Algorithms developed to predict the effect of sequence changes on RNA splicing suggest that this variant may create or strengthen a splice site. In summary, the available evidence is currently insufficient to determine the role of this variant in disease. Therefore, it has been classified as a Variant of Uncertain Significance.

Baylor Genetics
Classification: Uncertain significance for Wiedemann-Steiner syndrome. Last evaluated: 2019-07-10. Review status: criteria provided, single submitter. Criteria: ACMG Guidelines, 2015. Collection method: clinical testing. Allele origin: unknown. Affected: yes.
Comment: This variant was determined to be of uncertain significance according to ACMG Guidelines, 2015 [PMID:25741868].